The following is an entry in ClinVar:

ClinVar aggregate classification (germline): Uncertain significance. Review status: criteria provided, multiple submitters, no conflicts (2 of 4 stars). 2 submissions from 2 submitters: Uncertain significance (2). Last evaluated 2024-04-12.

Conditions:
Inborn genetic diseases. Identifiers: MedGen C0950123, MeSH D030342.

Allele frequency attached by ClinVar (database versions not stated): gnomAD 0.00002.
gnomAD v4.1: 4 of 1,614,028 alleles (0.00025%); highest among the groups gnomAD compares: Admixed American, 0.0017%; no homozygotes.

Submissions (2):

Ambry Genetics
Classification: Uncertain significance for Inborn genetic diseases. Last evaluated: 2024-04-12. Review status: criteria provided, single submitter. Criteria: Ambry Variant Classification Scheme 2023. Collection method: clinical testing. Allele origin: germline.

Labcorp Genetics (formerly Invitae), Labcorp
Classification: Uncertain significance. Last evaluated: 2022-06-27. Review status: criteria provided, single submitter. Criteria: Invitae Variant Classification Sherloc (09022015). Collection method: clinical testing. Allele origin: germline.
Comment: In summary, the available evidence is currently insufficient to determine the role of this variant in disease. Therefore, it has been classified as a Variant of Uncertain Significance. Algorithms developed to predict the effect of missense changes on protein structure and function are either unavailable or do not agree on the potential impact of this missense change (SIFT: "Tolerated"; PolyPhen-2: "Probably Damaging"; Align-GVGD: "Class C0"). This variant has not been reported in the literature in individuals affected with IARS2-related conditions. This variant is present in population databases (no rsID available, gnomAD 0.01%). This sequence change replaces cysteine, which is neutral and slightly polar, with tyrosine, which is neutral and polar, at codon 883 of the IARS2 protein (p.Cys883Tyr).

NM_018060.4(IARS2):c.2648G>A (p.Cys883Tyr)

Gene: IARS2 (isoleucyl-tRNA synthetase 2, mitochondrial; plus strand). Cytogenetic location: 1q41.
Variant type: single nucleotide variant.
Coding change: c.2648G>A on transcript NM_018060.4 (MANE Select); coding-DNA position 2648, G replaced by A.
Protein change: p.Cys883Tyr; replaces cysteine 883 with tyrosine.
Molecular consequence: missense variant.
Genome position (GRCh38, 1-based): chr1:220,143,031, G>A. VCF-style: chr1-220143031-G-A. GRCh37 (hg19) VCF-style: chr1-220316373-G-A.
Other names: c.2648G>A (NM_018060.3); short protein forms C883Y.
Identifiers: ClinVar variation 1368797 (VCV001368797.8), dbSNP rs1183112010, ClinGen allele CA344617663.